The following is an entry in ClinVar:

ClinVar aggregate classification (germline): Uncertain significance. Review status: criteria provided, multiple submitters, no conflicts (2 of 4 stars). 4 submissions from 4 submitters: Uncertain significance (4). Last evaluated 2025-11-13.

Conditions:
Chédiak-Higashi syndrome (CHS). Also called: Chediak-Higashi Syndrome. Identifiers: Orphanet 167, MedGen C0007965, MONDO:0008963, OMIM 214500.

gnomAD v4.1: 1 of 1,611,894 alleles (0.000062%); no homozygotes.

Submissions (4):

Labcorp Genetics (formerly Invitae), Labcorp
Classification: Uncertain significance for Chédiak-Higashi syndrome. Last evaluated: 2025-11-13. Review status: criteria provided, single submitter. Criteria: Invitae Variant Classification Sherloc (09022015). Collection method: clinical testing. Allele origin: germline.
Comment: This sequence change replaces threonine, which is neutral and polar, with serine, which is neutral and polar, at codon 1830 of the LYST protein (p.Thr1830Ser). This variant is not present in population databases (gnomAD no frequency). This variant has not been reported in the literature in individuals affected with LYST-related conditions. ClinVar contains an entry for this variant (Variation ID: 876810). Invitae Evidence Modeling of protein sequence and biophysical properties (such as structural, functional, and spatial information, amino acid conservation, physicochemical variation, residue mobility, and thermodynamic stability) indicates that this missense variant is not expected to disrupt LYST protein function with a negative predictive value of 80%. In summary, the available evidence is currently insufficient to determine the role of this variant in disease. Therefore, it has been classified as a Variant of Uncertain Significance.

GeneDx
Classification: Uncertain significance. Last evaluated: 2022-07-13. Review status: criteria provided, single submitter. Criteria: GeneDx Variant Classification Process June 2021. Collection method: clinical testing. Allele origin: germline. Affected: yes.
Comment: Not observed at significant frequency in large population cohorts (gnomAD); In silico analysis supports that this missense variant does not alter protein structure/function; Has not been previously published as pathogenic or benign to our knowledge

Blueprint Genetics
Classification: Uncertain significance. Last evaluated: 2021-06-22. Review status: criteria provided, single submitter. Criteria: ACMG Guidelines, 2015. Collection method: clinical testing. Allele origin: germline.

Illumina Laboratory Services, Illumina
Classification: Uncertain significance for Chédiak-Higashi syndrome. Last evaluated: 2018-01-13. Review status: criteria provided, single submitter. Criteria: ICSL Variant Classification Criteria 13 December 2019. Collection method: clinical testing. Allele origin: germline.

NM_000081.4(LYST):c.5488A>T (p.Thr1830Ser)

Gene: LYST (lysosomal trafficking regulator; minus strand). Cytogenetic location: 1q42.3.
Variant type: single nucleotide variant.
Coding change: c.5488A>T on transcript NM_000081.4 (MANE Select); coding-DNA position 5488, A replaced by T.
Protein change: p.Thr1830Ser; replaces threonine 1830 with serine.
Molecular consequence: missense variant.
Genome position (GRCh38, 1-based): chr1:235,775,059, T>A on the plus strand (A>T on the coding strand, the complement: LYST is on the minus strand). VCF-style: chr1-235775059-T-A. GRCh37 (hg19) VCF-style: chr1-235938359-T-A.
Other names: c.5488A>T, p.Thr1830Ser (NM_001301365.1); short protein forms T1830S.
Identifiers: ClinVar variation 876810 (VCV000876810.8), dbSNP rs2527973536, ClinGen allele CA344951899.
Genomic context (GRCh38, chr1:235,775,059, plus strand): 5'-GTACTCTTTGTTGGTTGTATTTAATTAATGAGAGTATAACTCGCAGTGCTAATGCTTGAG[T>A]TTCTTCACAGCTACTGAGTTCAACAACCTAAAAAAAAAAATGGGTGGATATAGTTTTCTC-3'
Protein context (NP_000072.2, residues 1820-1840): RVVELSSCEE[Thr1830Ser]QALALRVILS